The following is an entry in ClinVar:

NM_004563.4(PCK2):c.708delinsAA (p.Ile237fs)

Genes: NRL (neural retina leucine zipper; minus strand), PCK2 (phosphoenolpyruvate carboxykinase 2, mitochondrial; plus strand). Cytogenetic location: 14q11.2.
Variant type: Indel.
Coding change: c.708delinsAA on transcript NM_004563.4 (MANE Select); coding-DNA position 708, G replaced by AA.
Protein change: p.Ile237fs; shifts the reading frame from isoleucine 237.
Molecular consequence: frameshift variant. On other transcripts: intron variant (3).
Genome position (GRCh38, 1-based): chr14:24,099,092, G replaced by AA. VCF-style: chr14-24099092-G-AA. GRCh37 (hg19) VCF-style: chr14-24568301-G-AA.
Other names: c.708delinsAA, p.Ile237fs (NM_001018073.3); c.306delinsAA, p.Ile103fs (NM_001291556.2, NM_001308054.2); c.-28+15630delinsTT (NM_001354768.3, NM_001354770.2); c.-253-14347delinsTT (NM_006177.5); c.708delinsAA (NM_004563.3); short protein forms I103fs, I237fs.
Identifiers: ClinVar variation 4710790 (VCV004710790.2).

ClinVar aggregate classification (germline): Uncertain significance. Review status: criteria provided, multiple submitters, no conflicts (2 of 4 stars). 2 submissions from 2 submitters: Uncertain significance (2). Last evaluated 2025-11-09.

Conditions:
PCK2-related disorder. Also called: PCK2-related condition.

Submissions (2):

Labcorp Genetics (formerly Invitae), Labcorp
Classification: Uncertain significance. Last evaluated: 2025-11-09. Review status: criteria provided, single submitter. Criteria: Invitae Variant Classification Sherloc (09022015). Collection method: clinical testing. Allele origin: germline.
Comment: This sequence change creates a premature translational stop signal (p.Ile237Asnfs*40) in the PCK2 gene. It is expected to result in an absent or disrupted protein product. However, the current clinical and genetic evidence is not sufficient to establish whether loss-of-function variants in PCK2 cause disease. Information on the frequency of this variant in the gnomAD database is not available, as this variant may be reported differently in the database. This variant has not been reported in the literature in individuals affected with PCK2-related conditions. Experimental studies and prediction algorithms are not available or were not evaluated, and the functional significance of this variant is currently unknown. In summary, the available evidence is currently insufficient to determine the role of this variant in disease. Therefore, it has been classified as a Variant of Uncertain Significance.

PreventionGenetics, part of Exact Sciences
Classification: Uncertain significance for PCK2-related condition. Last evaluated: 2025-04-02. Review status: criteria provided, single submitter. Criteria: ACMG Guidelines, 2015. Collection method: clinical testing. Allele origin: germline.
Comment: The PCK2 c.708delinsAA variant is predicted to result in a frameshift and premature protein termination (p.Ile237Asnfs*40). This variant has been reported as one of 4 ACMG secondary incidental findings in one individual underwent for trio exome sequencing (Supplementary file 3, Cohen et al. 2024. PubMed ID: 38523675). This variant has not been reported in a large population database, indicating this variant is rare. Loss-of-function has not been established as a disease mechanism for this gene, and therefore the clinical significance of this variant is currently uncertain due to the absence of conclusive functional and genetic evidence.